The following is an entry in ClinVar:

NM_020166.5(MCCC1):c.273+382C>T

Gene: MCCC1 (methylcrotonyl-CoA carboxylase subunit 1; minus strand). Cytogenetic location: 3q27.1.
Variant type: single nucleotide variant.
Coding change: c.273+382C>T on transcript NM_020166.5 (MANE Select); 382 bases into the intron after coding-DNA position 273, C replaced by T.
Molecular consequence: intron variant.
Genome position (GRCh38, 1-based): chr3:183,092,027, G>A on the plus strand (C>T on the coding strand, the complement: MCCC1 is on the minus strand). VCF-style: chr3-183092027-G-A. GRCh37 (hg19) VCF-style: chr3-182809815-G-A.
Other names: c.-55+2532C>T (NM_001363880.1); c.44+2532C>T (NM_001293273.2).
Identifiers: ClinVar variation 4846847 (VCV004846847.1).

ClinVar aggregate classification (germline): Uncertain significance (1 of 4 stars; one submission).

Conditions:
3-methylcrotonyl-CoA carboxylase 1 deficiency (MCC1D). Also called: MCC 1 deficiency; 3 Alpha methylcrotonylglycinuria 1; MCCD TYPE 1; METHYLCROTONYLGLYCINURIA TYPE I. Identifiers: Orphanet 6, MedGen CN028786, MONDO:0008861, OMIM 210200.

Submission:

Laboratorio de Genetica e Diagnostico Molecular, Hospital Israelita Albert Einstein
Classification: Uncertain significance for 3-methylcrotonyl-CoA carboxylase 1 deficiency. Last evaluated: 2025-05-29. Review status: criteria provided, single submitter. Criteria: ACMG Guidelines, 2015. Collection method: clinical testing. Allele origin: germline. Affected: yes.
Comment: ACMG classification criteria: PM2 supporting, BP4 supporting